The following is an entry in ClinVar:

ClinVar aggregate classification (germline): Uncertain significance. Review status: criteria provided, multiple submitters, no conflicts (2 of 4 stars). 3 submissions from 3 submitters: Uncertain significance (3). Last evaluated 2025-12-22.

Conditions:
Hereditary cancer-predisposing syndrome. Also called: Neoplastic Syndromes, Hereditary; Hereditary Cancer Syndrome; Tumor predisposition; Hereditary neoplastic syndrome. Identifiers: Orphanet 140162, MedGen C0027672, MeSH D009386, MONDO:0015356.

Allele frequency attached by ClinVar (database versions not stated): gnomAD exomes below 0.00001; TOPMed 0.00002.

Submissions (3):

Labcorp Genetics (formerly Invitae), Labcorp
Classification: Uncertain significance. Last evaluated: 2025-12-22. Review status: criteria provided, single submitter. Criteria: Invitae Variant Classification Sherloc (09022015). Collection method: clinical testing. Allele origin: germline.
Comment: This sequence change replaces alanine, which is neutral and non-polar, with valine, which is neutral and non-polar, at codon 1586 of the POLE protein (p.Ala1586Val). This variant is present in population databases (no rsID available, gnomAD 0.0009%). This variant has not been reported in the literature in individuals affected with POLE-related conditions. ClinVar contains an entry for this variant (Variation ID: 582803). Invitae Evidence Modeling of protein sequence and biophysical properties (such as structural, functional, and spatial information, amino acid conservation, physicochemical variation, residue mobility, and thermodynamic stability) indicates that this missense variant is not expected to disrupt POLE protein function with a negative predictive value of 80%. In summary, the available evidence is currently insufficient to determine the role of this variant in disease. Therefore, it has been classified as a Variant of Uncertain Significance.

Ambry Genetics
Classification: Uncertain significance for Hereditary cancer-predisposing syndrome. Last evaluated: 2025-03-24. Review status: criteria provided, single submitter. Criteria: Ambry Variant Classification Scheme 2023. Collection method: clinical testing. Allele origin: germline.
Comment: The p.A1586V variant (also known as c.4757C>T), located in coding exon 37 of the POLE gene, results from a C to T substitution at nucleotide position 4757. The alanine at codon 1586 is replaced by valine, an amino acid with similar properties. This amino acid position is conserved. In addition, the in silico prediction for this alteration is inconclusive. Based on the available evidence, the clinical significance of this variant remains unclear.

GeneDx
Classification: Uncertain significance. Last evaluated: 2023-11-30. Review status: criteria provided, single submitter. Criteria: GeneDx Variant Classification Process June 2021. Collection method: clinical testing. Allele origin: germline. Affected: yes.
Comment: Not observed at significant frequency in large population cohorts (gnomAD); In silico analysis supports that this missense variant does not alter protein structure/function; Has not been previously published as pathogenic or benign to our knowledge; This variant is associated with the following publications: (PMID: 29056344)

NM_006231.4(POLE):c.4757C>T (p.Ala1586Val)

Gene: POLE (DNA polymerase epsilon, catalytic subunit; minus strand). Cytogenetic location: 12q24.33.
Variant type: single nucleotide variant.
Coding change: c.4757C>T on transcript NM_006231.4 (MANE Select); coding-DNA position 4757, C replaced by T.
Protein change: p.Ala1586Val; replaces alanine 1586 with valine.
Molecular consequence: missense variant.
Genome position (GRCh38, 1-based): chr12:132,642,701, G>A on the plus strand (C>T on the coding strand, the complement: POLE is on the minus strand). VCF-style: chr12-132642701-G-A. GRCh37 (hg19) VCF-style: chr12-133219287-G-A.
Other names: short protein forms A1586V.
Identifiers: ClinVar variation 582803 (VCV000582803.12), dbSNP rs915275826, ClinGen allele CA246303811.